The following is an entry in ClinVar:

ClinVar aggregate classification (germline): Uncertain significance (1 of 4 stars; one submission).

Conditions:
Brugada syndrome. Also called: Sudden unexpected nocturnal death syndrome; Sudden unexplained nocturnal death syndrome; Sudden Unexplained Death Syndrome; Sudden Unexplained Nocturnal Death Syndrome (SUNDS). Identifiers: Orphanet 130, MedGen C1142166, MONDO:0015263.

Allele frequency attached by ClinVar (database versions not stated): gnomAD 0.00004; TOPMed 0.00008; ExAC 0.00009; gnomAD exomes 0.00009 and 0.00010.
gnomAD v4.1: 127 of 1,613,626 alleles (0.0079%); highest among the groups gnomAD compares: Admixed American, 0.038%; no homozygotes.

Submission:

Labcorp Genetics (formerly Invitae), Labcorp
Classification: Uncertain significance for Brugada syndrome. Last evaluated: 2025-10-13. Review status: criteria provided, single submitter. Criteria: Invitae Variant Classification Sherloc (09022015). Collection method: clinical testing. Allele origin: germline.
Comment: This sequence change falls in intron 1 of the SLMAP gene. It does not directly change the encoded amino acid sequence of the SLMAP protein. It affects a nucleotide within the consensus splice site. This variant is present in population databases (rs759043349, gnomAD 0.05%), and has an allele count higher than expected for a pathogenic variant. This variant has not been reported in the literature in individuals affected with SLMAP-related conditions. ClinVar contains an entry for this variant (Variation ID: 1006880). Variants that disrupt the consensus splice site are a relatively common cause of aberrant splicing (PMID: 17576681, 9536098). Algorithms developed to predict the effect of sequence changes on RNA splicing suggest that this variant is not likely to affect RNA splicing. In summary, the available evidence is currently insufficient to determine the role of this variant in disease. Therefore, it has been classified as a Variant of Uncertain Significance.

Literature cited by the submitters: PubMed 17576681; PubMed 9536098.

NM_001377540.1(SLMAP):c.198+5T>C

Gene: SLMAP (sarcolemma associated protein; plus strand). Cytogenetic location: 3p14.3.
Variant type: single nucleotide variant.
Coding change: c.198+5T>C on transcript NM_001377540.1 (MANE Select); 5 bases into the intron after coding-DNA position 198, T replaced by C.
Molecular consequence: intron variant.
Genome position (GRCh38, 1-based): chr3:57,757,854, T>C. VCF-style: chr3-57757854-T-C. GRCh37 (hg19) VCF-style: chr3-57743581-T-C.
Other names: c.198+5T>C (NM_001377538.1, NM_001377539.1, NM_001377555.1 and 17 more transcripts).
Identifiers: ClinVar variation 1006880 (VCV001006880.5), dbSNP rs759043349, ClinGen allele CA2466724.
Genomic context (GRCh38, chr3:57,757,854, plus strand): 5'-GCAAAGTGCTATCAAGGAACCACGCTCTCGTCTGGTTTGATCACAAGACGGGCAAGGTAA[T>C]GTCACCACATTGTCCAGCGGCATTGTTTAACAAACTTTTTTTCCCCTTTTGCCCTCCCTG-3'